The following is an entry in ClinVar:

NM_005461.5(MAFB):c.705G>A (p.Glu235=)

Gene: MAFB (MAF bZIP transcription factor B; minus strand). Cytogenetic location: 20q12.
Variant type: single nucleotide variant.
Coding change: c.705G>A on transcript NM_005461.5 (MANE Select); coding-DNA position 705, G replaced by A.
Protein change: p.Glu235=; no amino-acid change (glutamic acid 235 retained).
Molecular consequence: synonymous variant.
Genome position (GRCh38, 1-based): chr20:40,688,146, C>T on the plus strand (G>A on the coding strand, the complement: MAFB is on the minus strand). VCF-style: chr20-40688146-C-T. GRCh37 (hg19) VCF-style: chr20-39316786-C-T.
Identifiers: ClinVar variation 3011769 (VCV003011769.3), dbSNP rs1252146987, ClinGen allele CA510757705.

ClinVar aggregate classification (germline): Uncertain significance (1 of 4 stars; one submission).

Allele frequency attached by ClinVar (database versions not stated): TOPMed below 0.00001; gnomAD 0.00001; gnomAD exomes 0.00001.
gnomAD v4.1: 8 of 1,612,046 alleles (0.0005%); highest among the groups gnomAD compares: African/African-American, 0.0013%; no homozygotes.

Submission:

Labcorp Genetics (formerly Invitae), Labcorp
Classification: Uncertain significance. Last evaluated: 2023-11-12. Review status: criteria provided, single submitter. Criteria: Invitae Variant Classification Sherloc (09022015). Collection method: clinical testing. Allele origin: germline.
Comment: This sequence change affects codon 235 of the MAFB mRNA. It is a 'silent' change, meaning that it does not change the encoded amino acid sequence of the MAFB protein. The frequency data for this variant in the population databases is considered unreliable, as metrics indicate poor data quality at this position in the gnomAD database. This variant has not been reported in the literature in individuals affected with MAFB-related conditions. In summary, the available evidence is currently insufficient to determine the role of this variant in disease. Therefore, it has been classified as a Variant of Uncertain Significance.